The following is an entry in ClinVar:

ClinVar aggregate classification (germline): Uncertain significance (1 of 4 stars; one submission).

Conditions:
Kennedy disease (SMAX1). Also called: SPINAL AND BULBAR MUSCULAR ATROPHY, X-LINKED 1; KENNEDY SPINAL AND BULBAR MUSCULAR ATROPHY; Spinal and Bulbar Muscular Atrophy. Identifiers: Orphanet 481, MedGen C1839259, MONDO:0010735, OMIM 313200.
Androgen resistance syndrome (AIS). Also called: DHTR DEFICIENCY; DIHYDROTESTOSTERONE RECEPTOR DEFICIENCY; ANDROGEN RECEPTOR DEFICIENCY; TESTICULAR FEMINIZATION SYNDROME; Androgen insensitivity syndrome; Androgen insensitivity. Identifiers: Orphanet 754, Orphanet 99429, MedGen C0039585, MONDO:0019154, OMIM 300068. Disease mechanism: loss of function.

Submission:

Labcorp Genetics (formerly Invitae), Labcorp
Classification: Uncertain significance for Kennedy disease; Androgen resistance syndrome. Last evaluated: 2023-06-20. Review status: criteria provided, single submitter. Criteria: Invitae Variant Classification Sherloc (09022015). Collection method: clinical testing. Allele origin: germline.
Comment: This variant has not been reported in the literature in individuals affected with AR-related conditions. This variant is not present in population databases (gnomAD no frequency). This sequence change replaces proline, which is neutral and non-polar, with serine, which is neutral and polar, at codon 375 of the AR protein (p.Pro375Ser). Algorithms developed to predict the effect of missense changes on protein structure and function output the following: SIFT: "Not Available"; PolyPhen-2: "Benign"; Align-GVGD: "Not Available". The serine amino acid residue is found in multiple mammalian species, which suggests that this missense change does not adversely affect protein function. In summary, the available evidence is currently insufficient to determine the role of this variant in disease. Therefore, it has been classified as a Variant of Uncertain Significance.

NM_000044.6(AR):c.1123C>T (p.Pro375Ser)

Gene: AR (androgen receptor; plus strand). Cytogenetic location: Xq12.
Variant type: single nucleotide variant.
Coding change: c.1123C>T on transcript NM_000044.6 (MANE Select); coding-DNA position 1123, C replaced by T.
Protein change: p.Pro375Ser; replaces proline 375 with serine.
Molecular consequence: missense variant. On other transcripts: 5 prime UTR variant (1).
Genome position (GRCh38, 1-based): chrX:67,546,269, C>T. VCF-style: chrX-67546269-C-T. GRCh37 (hg19) VCF-style: chrX-66766111-C-T.
Other names: c.-661C>T (NM_001011645.3); c.1123C>T, p.Pro375Ser (NM_001348061.1, NM_001348063.1, NM_001348064.1 and 1 more transcripts); short protein forms P375S.
Identifiers: ClinVar variation 2926075 (VCV002926075.3), dbSNP rs2147320299, ClinGen allele CA413426348.
Genomic context (GRCh38, chrX:67,546,269, plus strand): 5'-GAGGCAGCTGCGTACCAGAGTCGCGACTACTACAACTTTCCACTGGCTCTGGCCGGACCG[C>T]CGCCCCCTCCGCCGCCTCCCCATCCCCACGCTCGCATCAAGCTGGAGAACCCGCTGGACT-3'
Protein context (NP_000035.2, residues 365-385): YNFPLALAGP[Pro375Ser]PPPPPPHPHA